The following is an entry in ClinVar:

ClinVar aggregate classification (germline): Uncertain significance. Review status: criteria provided, multiple submitters, no conflicts (2 of 4 stars). 3 submissions from 3 submitters: Uncertain significance (3). Last evaluated 2023-06-07.

Conditions:
Inborn genetic diseases. Identifiers: MedGen C0950123, MeSH D030342.
Hearing impairment. Also called: Impaired Hearing. Identifiers: MedGen C1384666, MONDO:0005365, HP:0000365.

Allele frequency attached by ClinVar (database versions not stated): TOPMed 0.00002; gnomAD exomes 0.00004; 1000 Genomes Project 30x 0.00016; 1000 Genomes Project 0.00020; gnomAD 0.00001 and 0.00002; ExAC 0.00002.
gnomAD v4.1: 30 of 1,614,074 alleles (0.0019%); highest among the groups gnomAD compares: East Asian, 0.022%; 1 homozygote.

Submissions (3):

Ambry Genetics
Classification: Uncertain significance for Inborn genetic diseases. Last evaluated: 2023-06-07. Review status: criteria provided, single submitter. Criteria: Ambry Variant Classification Scheme 2023. Collection method: clinical testing. Allele origin: germline.

GeneDx
Classification: Uncertain significance. Last evaluated: 2022-12-20. Review status: criteria provided, single submitter. Criteria: GeneDx Variant Classification Process June 2021. Collection method: clinical testing. Allele origin: germline. Affected: yes.
Comment: In silico analysis supports that this missense variant does not alter protein structure/function; Has not been previously published as pathogenic or benign to our knowledge

Department of Otolaryngology – Head & Neck Surgery, Cochlear Implant Center
Classification: Uncertain significance for Hearing impairment. Last evaluated: 2021-04-12. Review status: criteria provided, single submitter. Criteria: ClinGen HL ACMG Specifications v1. Collection method: clinical testing. Allele origin: germline. Affected: yes.
Comment: PM2_Moderate, PP2_Supporting

NM_001042702.5(PJVK):c.887G>A (p.Arg296Gln)

Gene: PJVK (pejvakin; plus strand). Cytogenetic location: 2q31.2.
Variant type: single nucleotide variant.
Coding change: c.887G>A on transcript NM_001042702.5 (MANE Select); coding-DNA position 887, G replaced by A.
Protein change: p.Arg296Gln; replaces arginine 296 with glutamine.
Molecular consequence: missense variant.
Genome position (GRCh38, 1-based): chr2:178,461,102, G>A. VCF-style: chr2-178461102-G-A. GRCh37 (hg19) VCF-style: chr2-179325829-G-A.
Other names: c.893G>A, p.Arg298Gln (NM_001353776.2); c.410G>A, p.Arg137Gln (NM_001353777.1, NM_001353778.2); c.887G>A, p.Arg296Gln (NM_001369912.1); c.896G>A, p.Arg299Gln (NM_001353775.2); short protein forms R137Q, R296Q, R298Q, R299Q.
Identifiers: ClinVar variation 1065005 (VCV001065005.6), dbSNP rs532114292, ClinGen allele CA1984324.